The following is an entry in ClinVar:

ClinVar aggregate classification (germline): Pathogenic. Review status: criteria provided, multiple submitters, no conflicts (2 of 4 stars). 5 submissions from 5 submitters: Pathogenic (4). 1 of the submissions does not count toward it. Last evaluated 2024-11-27.

Conditions:
CYP4V2-related disorder. Also called: CYP4V2-related condition; CYP4V2-related disorders.
Retinal dystrophy. Also called: Inherited retinal dystrophy. Identifiers: Orphanet 71862, MedGen C0854723, MeSH D058499, MONDO:0019118, HP:0000556.
Bietti crystalline corneoretinal dystrophy (BCD). Also called: BIETTI TAPETORETINAL DEGENERATION WITH MARGINAL CORNEAL DYSTROPHY; Bietti Crystalline Dystrophy. Identifiers: Orphanet 41751, MedGen C1859486, MONDO:0008865, OMIM 210370.

Allele frequency attached by ClinVar (database versions not stated): gnomAD exomes below 0.00001; TOPMed 0.00001; ExAC 0.00002.
gnomAD v4.1: 4 of 1,614,236 alleles (0.00025%); highest among the groups gnomAD compares: East Asian, 0.0089%; no homozygotes.

Submissions (5):

3billion
Classification: Pathogenic for Bietti crystalline corneoretinal dystrophy. Last evaluated: 2024-11-27. Review status: criteria provided, single submitter. Criteria: ACMG Guidelines, 2015. Collection method: clinical testing. Allele origin: germline. Affected: yes.
Comment: The variant is observed at an extremely low frequency in the gnomAD v4.1.0 dataset (total allele frequency: <0.001%). Predicted Consequence/Location: Stop-gained (nonsense): predicted to result in a loss or disruption of normal protein function through nonsense-mediated decay (NMD) or protein truncation. Multiple pathogenic variants are reported downstream of the variant. In silico tools predict the variant to alter splicing and produce an abnormal transcript [SpliceAI: 0.20 (spliceogenicity >=0.2, non-spliceogenicity <0.1)]. The variant has been reported at least twice as pathogenic without evidence for the classification (ClinVar ID: VCV000039248 /PMID: 15860296). Therefore, this variant is classified as Pathogenic according to the recommendation of ACMG/AMP guideline.

Labcorp Genetics (formerly Invitae), Labcorp
Classification: Pathogenic. Last evaluated: 2024-06-13. Review status: criteria provided, single submitter. Criteria: Invitae Variant Classification Sherloc (09022015). Collection method: clinical testing. Allele origin: germline.
Comment: This sequence change creates a premature translational stop signal (p.Trp340*) in the CYP4V2 gene. It is expected to result in an absent or disrupted protein product. Loss-of-function variants in CYP4V2 are known to be pathogenic (PMID: 15042513, 25118264). This variant is present in population databases (rs199476198, gnomAD 0.006%). This premature translational stop signal has been observed in individual(s) with CYP4V2-related conditions (PMID: 16088246, 28512305, 29785639). ClinVar contains an entry for this variant (Variation ID: 39248). For these reasons, this variant has been classified as Pathogenic.

Dept Of Ophthalmology, Nagoya University
Classification: Pathogenic for Retinal dystrophy. Last evaluated: 2023-10-01. Review status: criteria provided, single submitter. Criteria: Submitter's publication. Collection method: research. Allele origin: germline. Affected: yes.

Blueprint Genetics
Classification: Pathogenic for CYP4V2-related disorders. Last evaluated: 2019-08-19. Review status: criteria provided, single submitter. Criteria: ACMG Guidelines, 2015. Collection method: clinical testing. Allele origin: germline. Affected: yes. Observed: 2 variant alleles.

GeneReviews
Classification: Pathogenic for Bietti Crystalline Dystrophy. Last evaluated: 2012-04-12. Review status: no assertion criteria provided. Collection method: curation. Allele origin: unknown. Not counted in ClinVar's aggregate classification.
ClinVar note: Converted during submission from pathologic to Pathogenic.

Literature cited by the submitters: PubMed 15860296 (cited by 3billion); PubMed 15042513 (cited by Labcorp Genetics (formerly Invitae), Labcorp); PubMed 25118264 (cited by Labcorp Genetics (formerly Invitae), Labcorp); PubMed 16088246 (cited by Labcorp Genetics (formerly Invitae), Labcorp); PubMed 28512305 (cited by Labcorp Genetics (formerly Invitae), Labcorp); PubMed 29785639 (cited by Labcorp Genetics (formerly Invitae), Labcorp).

NM_207352.4(CYP4V2):c.1020G>A (p.Trp340Ter)

Gene: CYP4V2 (cytochrome P450 family 4 subfamily V member 2; plus strand). Cytogenetic location: 4q35.2.
Variant type: single nucleotide variant.
Coding change: c.1020G>A on transcript NM_207352.4 (MANE Select); coding-DNA position 1020, G replaced by A.
Protein change: p.Trp340Ter; replaces tryptophan 340 with a stop codon.
Molecular consequence: nonsense.
Genome position (GRCh38, 1-based): chr4:186,205,232, G>A. VCF-style: chr4-186205232-G-A. GRCh37 (hg19) VCF-style: chr4-187126386-G-A.
Other names: c.1324G>A; short protein forms W340*.
Identifiers: ClinVar variation 39248 (VCV000039248.11), dbSNP rs199476198, ClinGen allele CA343703.